The following is an entry in ClinVar:

NM_201384.3(PLEC):c.5900T>C (p.Leu1967Pro)

Gene: PLEC (plectin; minus strand). Cytogenetic location: 8q24.3.
Variant type: single nucleotide variant.
Coding change: c.5900T>C on transcript NM_201384.3 (MANE Select); coding-DNA position 5900, T replaced by C.
Protein change: p.Leu1967Pro; replaces leucine 1967 with proline.
Molecular consequence: missense variant.
Genome position (GRCh38, 1-based): chr8:143,924,029, A>G on the plus strand (T>C on the coding strand, the complement: PLEC is on the minus strand). VCF-style: chr8-143924029-A-G. GRCh37 (hg19) VCF-style: chr8-144998197-A-G.
Other names: c.5834T>C, p.Leu1945Pro (NM_201379.3); c.6311T>C, p.Leu2104Pro (NM_201380.4); c.5804T>C, p.Leu1935Pro (NM_201381.3); c.5900T>C, p.Leu1967Pro (NM_201382.4); c.5912T>C, p.Leu1971Pro (NM_201383.3); c.5981T>C, p.Leu1994Pro (NM_000445.5); c.5858T>C, p.Leu1953Pro (NM_201378.4); short protein forms L1945P, L1971P, L1994P, L1953P, L1935P, L1967P, L2104P.
Identifiers: ClinVar variation 568627 (VCV000568627.6), dbSNP rs1564031595, ClinGen allele CA372540914.

ClinVar aggregate classification (germline): Uncertain significance (1 of 4 stars; one submission).

Conditions:
Epidermolysis bullosa simplex, Ogna type (EBS5A). Also called: Pidermolysis bullosa simplex 5A, Ogna type; EPIDERMOLYSIS BULLOSA SIMPLEX 5A, OGNA TYPE. Identifiers: Orphanet 79401, MedGen C0432317, MONDO:0007555, OMIM 131950.
Autosomal recessive limb-girdle muscular dystrophy type 2Q (LGMDR17). Also called: MUSCULAR DYSTROPHY, LIMB-GIRDLE, AUTOSOMAL RECESSIVE 17. Identifiers: Orphanet 254361, MedGen C3150989, MONDO:0013390, OMIM 613723.
Epidermolysis bullosa simplex 5C, with pyloric atresia (EBS5C). Also called: PLEC-Related Epidermolysis Bullosa with Pyloric Atresia; Epidermolysis bullosa simplex with pyloric atresia; PLEC1-Related Epidermolysis Bullosa with Pyloric Atresia. Identifiers: Orphanet 158684, MedGen C2677349, MONDO:0012807, OMIM 612138.
Epidermolysis bullosa simplex 5B, with muscular dystrophy (EBS5B). Also called: EPIDERMOLYSIS BULLOSA SIMPLEX AND LIMB-GIRDLE MUSCULAR DYSTROPHY; Epidermolysis bullosa simplex with muscular dystrophy. Identifiers: Orphanet 257, MedGen C2931072, MONDO:0009181, OMIM 226670.
Epidermolysis bullosa simplex with nail dystrophy (EBS5D). Identifiers: MedGen C4225309, MONDO:0014661, OMIM 616487.

Allele frequency attached by ClinVar (database versions not stated): gnomAD 0.00001.
gnomAD v4.1: 1 of 1,591,938 alleles (0.000063%); highest among the groups gnomAD compares: South Asian, 0.0011%; no homozygotes.

Submission:

Labcorp Genetics (formerly Invitae), Labcorp
Classification: Uncertain significance for Autosomal recessive limb-girdle muscular dystrophy type 2Q; Epidermolysis bullosa simplex, Ogna type; Epidermolysis bullosa simplex with nail dystrophy; Epidermolysis bullosa simplex 5C, with pyloric atresia; Epidermolysis bullosa simplex 5B, with muscular dystrophy. Last evaluated: 2020-02-15. Review status: criteria provided, single submitter. Criteria: Invitae Variant Classification Sherloc (09022015). Collection method: clinical testing. Allele origin: germline.
Comment: This sequence change replaces leucine with proline at codon 1994 of the PLEC protein (p.Leu1994Pro). The leucine residue is moderately conserved and there is a moderate physicochemical difference between leucine and proline. This variant is not present in population databases (ExAC no frequency). This variant has not been reported in the literature in individuals with PLEC-related disease. Algorithms developed to predict the effect of missense changes on protein structure and function are either unavailable or do not agree on the potential impact of this missense change (SIFT: "Tolerated"; PolyPhen-2: "Not Available"; Align-GVGD: "Class C0"). In summary, the available evidence is currently insufficient to determine the role of this variant in disease. Therefore, it has been classified as a Variant of Uncertain Significance.